The following is an entry in ClinVar:

ClinVar aggregate classification (germline): Uncertain significance (1 of 4 stars; one submission).

Submission:

Ambry Genetics
Classification: Uncertain significance. Last evaluated: 2024-02-06. Review status: criteria provided, single submitter. Criteria: Ambry Variant Classification Scheme 2023. Collection method: clinical testing. Allele origin: germline.
Comment: The p.V915L variant (also known as c.2743G>C), located in coding exon 13 of the NPAT gene, results from a G to C substitution at nucleotide position 2743. The valine at codon 915 is replaced by leucine, an amino acid with highly similar properties. This amino acid position is conserved. In addition, this alteration is predicted to be tolerated by in silico analysis. Based on the available evidence, the clinical significance of this alteration remains unclear.

NM_002519.3(NPAT):c.2743G>C (p.Val915Leu)

Gene: NPAT (nuclear protein, coactivator of histone transcription; minus strand). Cytogenetic location: 11q22.3.
Variant type: single nucleotide variant.
Coding change: c.2743G>C on transcript NM_002519.3 (MANE Select); coding-DNA position 2743, G replaced by C.
Protein change: p.Val915Leu; replaces valine 915 with leucine.
Molecular consequence: missense variant.
Genome position (GRCh38, 1-based): chr11:108,172,241, C>G on the plus strand (G>C on the coding strand, the complement: NPAT is on the minus strand). VCF-style: chr11-108172241-C-G. GRCh37 (hg19) VCF-style: chr11-108042968-C-G.
Other names: c.2743G>C, p.Val915Leu (NM_001321307.1); short protein forms V915L.
Identifiers: ClinVar variation 3222552 (VCV003222552.1), dbSNP rs2077958256, ClinGen allele CA382512331.